The following is an entry in ClinVar:

ClinVar aggregate classification (germline): Pathogenic. Review status: criteria provided, multiple submitters, no conflicts (2 of 4 stars). 7 submissions from 7 submitters: Pathogenic (6). 1 of the submissions does not count toward it. Last evaluated 2025-01-23.

Conditions:
Metachromatic leukodystrophy (MLD). Also called: METACHROMATIC LEUKOENCEPHALOPATHY; SULFATIDE LIPIDOSIS; ARSA DEFICIENCY; CEREBROSIDE SULFATASE DEFICIENCY; Arylsulfatase A Deficiency; Cerebral sclerosis diffuse metachromatic form. Identifiers: Orphanet 512, MedGen C0023522, MONDO:0018868, OMIM 250100.

Allele frequency attached by ClinVar (database versions not stated): gnomAD exomes below 0.00001; TOPMed below 0.00001; gnomAD 0.00001.

Submissions (7):

Natera, Inc.
Classification: Pathogenic for Metachromatic leukodystrophy. Last evaluated: 2025-01-23. Review status: criteria provided, single submitter. Criteria: Natera Variant Classification Schema (03/2026). Collection method: clinical testing. Allele origin: germline.
Comment: The c.583delT variant in ARSA is a frameshift variant predicted to shift the reading frame beginning at codon 195 and leads to a stop codon 5 codons downstream. This variant is expected to result in a truncated or dysfunctional protein product. This variant is rare in the general population with a frequency below the threshold expected for the associated phenotype(s). This variant has been observed in one or more individuals affected with the associated recessive disease, as either homozygous or compound heterozygous with a second variant (PMID: 36240581). This variant has been identified in one or more affected individual with a phenotype highly consistent with the associated gene (PMID:36240581). Given the available evidence, this variant is classified as Pathogenic.

Revvity Omics, Revvity
Classification: Pathogenic for Metachromatic leukodystrophy. Last evaluated: 2024-09-10. Review status: criteria provided, single submitter. Criteria: ACMG Guidelines, 2015. Collection method: clinical testing. Allele origin: germline.

Labcorp Genetics (formerly Invitae), Labcorp
Classification: Pathogenic for Metachromatic leukodystrophy. Last evaluated: 2023-12-21. Review status: criteria provided, single submitter. Criteria: Invitae Variant Classification Sherloc (09022015). Collection method: clinical testing. Allele origin: germline.
Comment: This sequence change creates a premature translational stop signal (p.Trp195Glyfs*5) in the ARSA gene. It is expected to result in an absent or disrupted protein product. Loss-of-function variants in ARSA are known to be pathogenic (PMID: 8962139, 10477432). This variant is not present in population databases (gnomAD no frequency). This premature translational stop signal has been observed in individual(s) with metachromatic leukodystrophy (PMID: 26462614). ClinVar contains an entry for this variant (Variation ID: 93124). For these reasons, this variant has been classified as Pathogenic.

CeGaT Center for Human Genetics Tuebingen
Classification: Pathogenic. Last evaluated: 2023-05-01. Review status: criteria provided, single submitter. Criteria: CeGaT Center For Human Genetics Tuebingen Variant Classification Criteria Version 2. Collection method: clinical testing. Allele origin: germline. Affected: yes. Observed: 1 variant allele.
Comment: ARSA: PVS1, PM3:Strong, PM2, PP4

Eurofins Ntd Llc (ga)
Classification: Pathogenic. Last evaluated: 2013-03-27. Review status: criteria provided, single submitter. Criteria: EGL Classification Definitions 2015. Collection method: clinical testing. Allele origin: germline. Observed: 1 variant allele, 1 heterozygote.

CENTOGENE GmbH and LLC - Guiding Precision Medicine
Classification: Pathogenic for Metachromatic leukodystrophy. Review status: criteria provided, single submitter. Criteria: ACMG Guidelines, 2015. Collection method: clinical testing. Allele origin: germline. Affected: yes.

Gene Mapping Laboratory, Hacettepe University
Classification: Pathogenic for Metachromatic leukodystrophy. Review status: no assertion criteria provided. Collection method: research. Allele origin: germline. Inheritance: Autosomal recessive inheritance. Affected: yes. Observed: 1 variant allele, 1 homozygote. Not counted in ClinVar's aggregate classification.

Literature cited by the submitters: PubMed 36240581 (cited by Natera, Inc.); PubMed 8962139 (cited by Labcorp Genetics (formerly Invitae), Labcorp); PubMed 10477432 (cited by Labcorp Genetics (formerly Invitae), Labcorp); PubMed 26462614 (cited by Labcorp Genetics (formerly Invitae), Labcorp); PubMed 32860008 (cited by CENTOGENE GmbH and LLC - Guiding Precision Medicine); PubMed 33335837 (cited by Gene Mapping Laboratory, Hacettepe University).

NM_000487.6(ARSA):c.583del (p.Trp195fs)

Gene: ARSA (arylsulfatase A; minus strand). Cytogenetic location: 22q13.33.
Variant type: Deletion.
Coding change: c.583del on transcript NM_000487.6 (MANE Select); coding-DNA position 583, one base deleted (T; older notation c.583delT).
Protein change: p.Trp195fs; shifts the reading frame from tryptophan 195.
Molecular consequence: frameshift variant.
Genome position (GRCh38, 1-based): chr22:50,626,935, A deleted on the plus strand (T on the coding strand, the reverse complement: ARSA is on the minus strand). VCF-style (leftmost placement, unchanged base first): chr22-50626934-CA-C. GRCh37 (hg19) VCF-style: chr22-51065362-CA-C.
Other names: c.583del, p.Trp195fs (NM_001085425.3, NM_001085426.3, NM_001085427.3); c.325del, p.Trp109fs (NM_001085428.3, NM_001362782.2); c.583delT (NM_000487.6); c.583del (NM_000487.5); short protein forms W109fs, W195fs.
Identifiers: ClinVar variation 93124 (VCV000093124.43), dbSNP rs398123416, ClinGen allele CA278424.